The following is an entry in ClinVar:

ClinVar aggregate classification (germline): Conflicting classifications of pathogenicity. Review status: criteria provided, conflicting classifications (1 of 4 stars). 12 submissions from 12 submitters: Uncertain significance (6); Likely benign (6). Last evaluated 2026-09-01.

Conditions:
SPG7-related disorder. Also called: SPG7-related condition.
Hereditary spastic paraplegia. Also called: Familial spastic paraparesis. Identifiers: Orphanet 685, MedGen C0037773, MONDO:0019064. Disease mechanism: loss of function.
Hereditary spastic paraplegia 7 (SPG7). Also called: Spastic paraplegia 7; Hereditary spastic paraplegia Paraplegin type; Autosomal recessive spastic paraplegia type 7; SPASTIC PARAPLEGIA 7, AUTOSOMAL RECESSIVE, WITH OR WITHOUT CEREBELLAR ATAXIA; SPG7-related neurologic disorder. Identifiers: Orphanet 99013, MedGen C1846564, MONDO:0011803, OMIM 607259.
Inborn genetic diseases. Identifiers: MedGen C0950123, MeSH D030342.

Allele frequency attached by ClinVar (database versions not stated): ExAC 0.00049; gnomAD exomes 0.00073; 1000 Genomes Project 0.00100; gnomAD 0.00127 and 0.00136; TOPMed 0.00157; 1000 Genomes Project 30x 0.00187.
gnomAD v4.1: 1,184 of 1,490,226 alleles (0.079%); highest among the groups gnomAD compares: African/African-American, 0.31%; no homozygotes.

Submissions (12):

CeGaT Center for Human Genetics Tuebingen
Classification: Uncertain significance. Last evaluated: 2026-09-01. Review status: criteria provided, single submitter. Criteria: CeGaT Center For Human Genetics Tuebingen Variant Classification Criteria Version 2. Collection method: clinical testing. Allele origin: germline. Affected: yes. Observed: 4 variant alleles.
Comment: SPG7: PM2, PM3

Labcorp Genetics (formerly Invitae), Labcorp
Classification: Likely benign for Hereditary spastic paraplegia 7. Last evaluated: 2026-01-24. Review status: criteria provided, single submitter. Criteria: Invitae Variant Classification Sherloc (09022015). Collection method: clinical testing. Allele origin: germline.

Mayo Clinic Laboratories, Mayo Clinic
Classification: Uncertain significance. Last evaluated: 2025-04-01. Review status: criteria provided, single submitter. Criteria: ACMG Guidelines, 2015. Collection method: clinical testing. Allele origin: germline. Observed: 7 variant alleles.

PreventionGenetics, part of Exact Sciences
Classification: Likely benign for SPG7-related condition. Last evaluated: 2025-02-17. Review status: criteria provided, single submitter. Criteria: ACMG Guidelines, 2015. Collection method: clinical testing. Allele origin: germline.
Comment: This variant is classified as likely benign based on ACMG/AMP sequence variant interpretation guidelines (Richards et al. 2015 PMID: 25741868, with internal and published modifications).

Laboratory of Genetics, Children's Clinical University Hospital Latvia
Classification: Likely benign. Last evaluated: 2025-02-16. Review status: criteria provided, single submitter. Criteria: ACMG Guidelines, 2015. Collection method: clinical testing. Allele origin: germline. Affected: yes.

Women's Health and Genetics/Laboratory Corporation of America, LabCorp
Classification: Likely benign. Last evaluated: 2025-02-14. Review status: criteria provided, single submitter. Criteria: LabCorp Variant Classification Summary - May 2015. Collection method: clinical testing. Allele origin: germline.
Comment: Variant summary: SPG7 c.4G>A (p.Ala2Thr) results in a non-conservative amino acid change in the encoded protein sequence. Four of five in-silico tools predict a benign effect of the variant on protein function. The variant allele was found at a frequency of 0.00079 in 1490226 control chromosomes, predominantly at a frequency of 0.0031 within the African or African-American subpopulation in the gnomAD database. The observed variant frequency within African or African-American control individuals in the gnomAD database exceeds the estimated maximal expected allele frequency for a pathogenic variant in SPG7 causing Hereditary Spastic Paraplegia 7 phenotype. To our knowledge, no occurrence of c.4G>A in individuals affected with Hereditary Spastic Paraplegia 7 and no experimental evidence demonstrating its impact on protein function have been reported. ClinVar contains an entry for this variant (Variation ID: 215198). Based on the evidence outlined above, the variant was classified as likely benign.

Blueprint Genetics
Classification: Uncertain significance. Last evaluated: 2024-11-06. Review status: criteria provided, single submitter. Criteria: ACMG Guidelines, 2015. Collection method: clinical testing. Allele origin: germline.

Athena Diagnostics
Classification: Uncertain significance. Last evaluated: 2023-02-27. Review status: criteria provided, single submitter. Criteria: Athena Diagnostics Criteria. Collection method: clinical testing. Allele origin: unknown.
Comment: Available data are insufficient to determine the clinical significance of the variant at this time. The frequency of this variant in the general population is uninformative in assessment of its pathogenicity. Computational tools predict that this variant is not damaging. The variant is located in a region that is considered important for protein function and/or structure.

Ambry Genetics
Classification: Likely benign for Inborn genetic diseases. Last evaluated: 2022-01-31. Review status: criteria provided, single submitter. Criteria: Ambry Variant Classification Scheme 2023. Collection method: clinical testing. Allele origin: germline.

GeneDx
Classification: Likely benign. Last evaluated: 2020-09-01. Review status: criteria provided, single submitter. Criteria: GeneDx Variant Classification Process June 2021. Collection method: clinical testing. Allele origin: germline. Affected: yes.
Comment: This variant is associated with the following publications: (PMID: 16534102, 20301286)

Genome Diagnostics Laboratory, The Hospital for Sick Children
Classification: Uncertain significance for Hereditary spastic paraplegia. Last evaluated: 2019-01-01. Review status: criteria provided, single submitter. Criteria: ACMG Guidelines, 2015. Collection method: clinical testing. Allele origin: germline. Affected: yes.

Illumina Laboratory Services, Illumina
Classification: Uncertain significance for Hereditary spastic paraplegia 7. Last evaluated: 2017-04-27. Review status: criteria provided, single submitter. Criteria: ICSL Variant Classification Criteria 13 December 2019. Collection method: clinical testing. Allele origin: germline.
Comment: This variant was observed as part of a predisposition screen in an ostensibly healthy population. A literature search was performed for the gene, cDNA change, and amino acid change (where applicable). Publications were found based on this search. However, the evidence from the literature, in combination with allele frequency data from public databases where available, was not sufficient to rule this variant in or out of causing disease. Therefore, this variant is classified as a variant of unknown significance.

Literature cited by the submitters: PubMed 16534102 (cited by 3 submitters); PubMed 32483926 (cited by Mayo Clinic Laboratories, Mayo Clinic and Athena Diagnostics); PubMed 33841295 (cited by Mayo Clinic Laboratories, Mayo Clinic and Athena Diagnostics).

NM_003119.4(SPG7):c.4G>A (p.Ala2Thr)

Genes: SPG7 (SPG7 matrix AAA peptidase subunit, paraplegin; plus strand), LOC130059818 (ATAC-STARR-seq lymphoblastoid silent region 7911; plus strand). Cytogenetic location: 16q24.3.
Variant type: single nucleotide variant.
Coding change: c.4G>A on transcript NM_003119.4 (MANE Select); coding-DNA position 4, G replaced by A.
Protein change: p.Ala2Thr; replaces alanine 2 with threonine.
Molecular consequence: missense variant.
Genome position (GRCh38, 1-based): chr16:89,508,421, G>A. VCF-style: chr16-89508421-G-A. GRCh37 (hg19) VCF-style: chr16-89574829-G-A.
Other names: p.A2T:GCC>ACC; c.4G>A, p.Ala2Thr (NM_001363850.1, NM_199367.3); short protein forms A2T.
Identifiers: ClinVar variation 215198 (VCV000215198.59), dbSNP rs535030441, ClinGen allele CA321845.